The following is an entry in ClinVar:

NM_139076.3(ABRAXAS1):c.320A>T (p.Asp107Val)

Gene: ABRAXAS1 (abraxas 1, BRCA1 A complex subunit; minus strand). Cytogenetic location: 4q21.23.
Variant type: single nucleotide variant.
Coding change: c.320A>T on transcript NM_139076.3 (MANE Select); coding-DNA position 320, A replaced by T.
Protein change: p.Asp107Val; replaces aspartic acid 107 with valine.
Molecular consequence: missense variant. On other transcripts: 5 prime UTR variant (1).
Genome position (GRCh38, 1-based): chr4:83,470,359, T>A on the plus strand (A>T on the coding strand, the complement: ABRAXAS1 is on the minus strand). VCF-style: chr4-83470359-T-A. GRCh37 (hg19) VCF-style: chr4-84391512-T-A.
Other names: c.-8A>T (NM_001345962.2); short protein forms D107V.
Identifiers: ClinVar variation 655747 (VCV000655747.8), dbSNP rs1578128583, ClinGen allele CA357260169.
Genomic context (GRCh38, chr4:83,470,359, plus strand): 5'-TTTGAAAAATGCTCCTGCAAGTTTTTGTGAAGCAGCCTCTCTCTAAACGTCATGATCTGA[T>A]CTGAATGACGACGGAATTTGTACCAACCTACCACATTCTGAAATACAGAATAAAAAGGAT-3'
Protein context (NP_620775.2, residues 97-117): VGWYKFRRHS[Asp107Val]QIMTFRERLL

ClinVar aggregate classification (germline): Uncertain significance (1 of 4 stars; one submission).

Submission:

Labcorp Genetics (formerly Invitae), Labcorp
Classification: Uncertain significance. Last evaluated: 2018-10-09. Review status: criteria provided, single submitter. Criteria: Invitae Variant Classification Sherloc (09022015). Collection method: clinical testing. Allele origin: germline.
Comment: This sequence change replaces aspartic acid with valine at codon 107 of the ABRAXAS1 protein (p.Asp107Val). The aspartic acid residue is highly conserved and there is a large physicochemical difference between aspartic acid and valine. This variant is not present in population databases (ExAC no frequency). This variant has not been reported in the literature in individuals with ABRAXAS1-related disease. Algorithms developed to predict the effect of missense changes on protein structure and function are either unavailable or do not agree on the potential impact of this missense change (SIFT: "Deleterious"; PolyPhen-2: "Probably Damaging"; Align-GVGD: "Class C0"). In summary, the available evidence is currently insufficient to determine the role of this variant in disease. Therefore, it has been classified as a Variant of Uncertain Significance.